The following is an entry in ClinVar:

ClinVar aggregate classification (germline): Uncertain significance. Review status: criteria provided, multiple submitters, no conflicts (2 of 4 stars). 2 submissions from 2 submitters: Uncertain significance (2). Last evaluated 2025-01-21.

Conditions:
Cardiovascular phenotype. Identifiers: MedGen CN230736.
RASopathy. Also called: Noonan spectrum disorder; rasopathies. Identifiers: Orphanet 536391, MedGen C5555857, MONDO:0021060.

Submissions (2):

Ambry Genetics
Classification: Uncertain significance for Cardiovascular phenotype. Last evaluated: 2025-01-21. Review status: criteria provided, single submitter. Criteria: Ambry Variant Classification Scheme 2023. Collection method: clinical testing. Allele origin: germline.
Comment: The p.G21V variant (also known as c.62G>T), located in coding exon 1 of the MAP2K2 gene, results from a G to T substitution at nucleotide position 62. The glycine at codon 21 is replaced by valine, an amino acid with dissimilar properties. This amino acid position is conserved. In addition, the in silico prediction for this alteration is inconclusive. Based on the available evidence, the clinical significance of this variant remains unclear.

Labcorp Genetics (formerly Invitae), Labcorp
Classification: Uncertain significance for RASopathy. Last evaluated: 2024-07-01. Review status: criteria provided, single submitter. Criteria: Invitae Variant Classification Sherloc (09022015). Collection method: clinical testing. Allele origin: germline.
Comment: This sequence change replaces glycine, which is neutral and non-polar, with valine, which is neutral and non-polar, at codon 21 of the MAP2K2 protein (p.Gly21Val). This variant is not present in population databases (gnomAD no frequency). This variant has not been reported in the literature in individuals affected with MAP2K2-related conditions. Advanced modeling of protein sequence and biophysical properties (such as structural, functional, and spatial information, amino acid conservation, physicochemical variation, residue mobility, and thermodynamic stability) has been performed at Invitae for this missense variant, however the output from this modeling did not meet the statistical confidence thresholds required to predict the impact of this variant on MAP2K2 protein function. In summary, the available evidence is currently insufficient to determine the role of this variant in disease. Therefore, it has been classified as a Variant of Uncertain Significance.

NM_030662.4(MAP2K2):c.62G>T (p.Gly21Val)

Genes: MAP2K2 (mitogen-activated protein kinase kinase 2; minus strand), LOC130063193 (ATAC-STARR-seq lymphoblastoid silent region 9881; plus strand). Cytogenetic location: 19p13.3.
Variant type: single nucleotide variant.
Coding change: c.62G>T on transcript NM_030662.4 (MANE Select); coding-DNA position 62, G replaced by T.
Protein change: p.Gly21Val; replaces glycine 21 with valine.
Molecular consequence: missense variant.
Genome position (GRCh38, 1-based): chr19:4,123,814, C>A on the plus strand (G>T on the coding strand, the complement: MAP2K2 is on the minus strand). VCF-style: chr19-4123814-C-A. GRCh37 (hg19) VCF-style: chr19-4123811-C-A.
Other names: short protein forms G21V.
Identifiers: ClinVar variation 3636808 (VCV003636808.3).
Genomic context (GRCh38, chr19:4,123,814, plus strand): 5'-CAAGCCTCCGGCTGACCCCTGCCCACTCACTCGGAGGCGCCCTCGCTGGTAGGGGATGGG[C>A]CCTCGGCGATGGTAGGGTTGATGGTGAGCGCCGGCAGCACCGGCTTCCTCCGGGCCAGCA-3'
Protein context (NP_109587.1, residues 11-31): ALTINPTIAE[Gly21Val]PSPTSEGASE